The following is an entry in ClinVar:

NM_152753.4(SCUBE3):c.118T>C (p.Cys40Arg)

Gene: SCUBE3 (signal peptide, CUB domain and EGF like domain containing 3; plus strand). Cytogenetic location: 6p21.31.
Variant type: single nucleotide variant.
Coding change: c.118T>C on transcript NM_152753.4 (MANE Select); coding-DNA position 118, T replaced by C.
Protein change: p.Cys40Arg; replaces cysteine 40 with arginine.
Molecular consequence: missense variant.
Genome position (GRCh38, 1-based): chr6:35,227,612, T>C. VCF-style: chr6-35227612-T-C. GRCh37 (hg19) VCF-style: chr6-35195389-T-C.
Other names: c.118T>C, p.Cys40Arg (NM_001303136.2); short protein forms C40R.
Identifiers: ClinVar variation 5007043 (VCV005007043.2).

ClinVar aggregate classification (germline): Uncertain significance (1 of 4 stars; one submission).

Conditions:
Short stature, facial dysmorphism, and skeletal anomalies with or without cardiac anomalies 2. Identifiers: MedGen C5543057, MONDO:0030953, OMIM 619184.

gnomAD v4.1: 2 of 1,614,092 alleles (0.00012%); highest among the groups gnomAD compares: East Asian, 0.0045%; no homozygotes.

Submission:

Juno Genomics, Hangzhou Juno Genomics, Inc
Classification: Uncertain significance for Short stature, facial dysmorphism, and skeletal anomalies with or without cardiac anomalies 2. Review status: criteria provided, single submitter. Criteria: ACMG Guidelines, 2015. Collection method: clinical testing. Allele origin: germline.
Comment: Missense variant in a gene that has a low rate of benign missense variation.;Multiple lines of computational evidence support a deleterious effect on the gene or gene product.;Absent from controls (or at extremely low frequency if recessive) in Genome Aggregation Database.